The following is an entry in ClinVar:

ClinVar aggregate classification (germline): Likely benign (0 of 4 stars; one submission).

Conditions:
FOCAD-related disorder. Also called: FOCAD-related condition.

gnomAD v4.1: 83 of 1,612,178 alleles (0.0051%); highest among the groups gnomAD compares: South Asian, 0.089%; 2 homozygotes.

Submission:

PreventionGenetics, part of Exact Sciences
Classification: Likely benign for FOCAD-related condition. Last evaluated: 2022-03-02. Review status: no assertion criteria provided. Collection method: clinical testing. Allele origin: germline.
Comment: This variant is classified as likely benign based on ACMG/AMP sequence variant interpretation guidelines (Richards et al. 2015 PMID: 25741868, with internal and published modifications).

NM_001375567.1(FOCAD):c.4052-3C>T

Gene: FOCAD (focadhesin; plus strand). Cytogenetic location: 9p21.3.
Variant type: single nucleotide variant.
Coding change: c.4052-3C>T on transcript NM_001375567.1 (MANE Select); 3 bases into the intron before coding-DNA position 4052, C replaced by T.
Molecular consequence: intron variant.
Genome position (GRCh38, 1-based): chr9:20,952,982, C>T. VCF-style: chr9-20952982-C-T. GRCh37 (hg19) VCF-style: chr9-20952981-C-T.
Other names: c.4052-3C>T (NM_017794.5); c.3947-3C>T (NM_001375568.1, NM_001375570.1).
Identifiers: ClinVar variation 3358562 (VCV003358562.1).
Genomic context (GRCh38, chr9:20,952,982, plus strand): 5'-TATCTTTCCTTCATTAGTCCTGCCAAGTTCACTGGTTAATTTGATCATTTTCTGTCTCCA[C>T]AGTTCCTACTGACTATAGCTACTTGCCTGAAAGCAGTTTTATTGGAGCAGCTATTGGCTT-3'